The following is an entry in ClinVar:

NM_006493.4(CLN5):c.323A>C (p.Asp108Ala)

Gene: CLN5 (CLN5 lysosomal BMP synthase; plus strand). Cytogenetic location: 13q22.3.
Variant type: single nucleotide variant.
Coding change: c.323A>C on transcript NM_006493.4 (MANE Select); coding-DNA position 323, A replaced by C.
Protein change: p.Asp108Ala; replaces aspartic acid 108 with alanine.
Molecular consequence: missense variant.
Genome position (GRCh38, 1-based): chr13:76,995,212, A>C. VCF-style: chr13-76995212-A-C. GRCh37 (hg19) VCF-style: chr13-77569347-A-C.
Other names: c.323A>C, p.Asp108Ala (NM_001366624.2); short protein forms D108A.
Identifiers: ClinVar variation 969415 (VCV000969415.10), dbSNP rs368672718, ClinGen allele CA7007177.

ClinVar aggregate classification (germline): Uncertain significance. Review status: criteria provided, single submitter (1 of 4 stars). 2 submissions from 2 submitters: Uncertain significance (1). 1 of the submissions does not count toward it. Last evaluated 2022-07-11.

Conditions:
Neuronal ceroid lipofuscinosis. Also called: Neuronal Ceroid Lipofuscinoses. Identifiers: Orphanet 216, Orphanet 79263, MedGen C0027877, MONDO:0016295. Disease mechanism: loss of function.

Allele frequency attached by ClinVar (database versions not stated): gnomAD 0.00001 and 0.00002; gnomAD exomes 0.00002 and 0.00004; TOPMed 0.00002; ExAC 0.00003; ESP Exome Variant Server 0.00008.

Submissions (2):

Labcorp Genetics (formerly Invitae), Labcorp
Classification: Uncertain significance for Neuronal ceroid lipofuscinosis. Last evaluated: 2022-07-11. Review status: criteria provided, single submitter. Criteria: Invitae Variant Classification Sherloc (09022015). Collection method: clinical testing. Allele origin: germline.
Comment: This sequence change replaces aspartic acid, which is acidic and polar, with alanine, which is neutral and non-polar, at codon 157 of the CLN5 protein (p.Asp157Ala). This variant is present in population databases (rs368672718, gnomAD 0.008%). This variant has not been reported in the literature in individuals affected with CLN5-related conditions. ClinVar contains an entry for this variant (Variation ID: 969415). Algorithms developed to predict the effect of missense changes on protein structure and function output the following: SIFT: "Tolerated"; PolyPhen-2: "Benign"; Align-GVGD: "Class C0". The alanine amino acid residue is found in multiple mammalian species, which suggests that this missense change does not adversely affect protein function. In summary, the available evidence is currently insufficient to determine the role of this variant in disease. Therefore, it has been classified as a Variant of Uncertain Significance.

Natera, Inc.
Classification: Uncertain significance for Neuronal ceroid lipofuscinosis. Last evaluated: 2020-07-28. Review status: no assertion criteria provided. Collection method: clinical testing. Allele origin: germline. Not counted in ClinVar's aggregate classification.